The following is an entry in ClinVar:

ClinVar aggregate classification (germline): Uncertain significance. Review status: criteria provided, multiple submitters, no conflicts (2 of 4 stars). 4 submissions from 4 submitters: Uncertain significance (4). Last evaluated 2025-11-15.

Conditions:
Inborn genetic diseases. Identifiers: MedGen C0950123, MeSH D030342.
Connective tissue disorder. Also called: Connective tissue disease. Identifiers: MedGen C0009782, MONDO:0003900.
Short-rib thoracic dysplasia 6 with or without polydactyly (SRTD6). Also called: Majewski Syndrome; SHORT RIB-POLYDACTYLY SYNDROME, TYPE IIA; SHORT-RIB THORACIC DYSPLASIA 6 WITH POLYDACTYLY; SHORT-RIB THORACIC DYSPLASIA 6 WITHOUT POLYDACTYLY; POLYDACTYLY WITH NEONATAL CHONDRODYSTROPHY, TYPE II. Identifiers: MedGen C0024507, MONDO:0009894, OMIM 263520.

Allele frequency attached by ClinVar (database versions not stated): TOPMed 0.00003; gnomAD 0.00005 and 0.00006; ExAC 0.00002; gnomAD exomes 0.00002; ESP Exome Variant Server 0.00009.

Submissions (4):

Labcorp Genetics (formerly Invitae), Labcorp
Classification: Uncertain significance for Short-rib thoracic dysplasia 6 with or without polydactyly. Last evaluated: 2025-11-15. Review status: criteria provided, single submitter. Criteria: Invitae Variant Classification Sherloc (09022015). Collection method: clinical testing. Allele origin: germline.
Comment: This sequence change replaces glycine, which is neutral and non-polar, with valine, which is neutral and non-polar, at codon 797 of the NEK1 protein (p.Gly797Val). This variant is present in population databases (rs377203539, gnomAD 0.008%). This variant has not been reported in the literature in individuals affected with NEK1-related conditions. ClinVar contains an entry for this variant (Variation ID: 167346). Invitae Evidence Modeling of protein sequence and biophysical properties (such as structural, functional, and spatial information, amino acid conservation, physicochemical variation, residue mobility, and thermodynamic stability) indicates that this missense variant is not expected to disrupt NEK1 protein function with a negative predictive value of 80%. In summary, the available evidence is currently insufficient to determine the role of this variant in disease. Therefore, it has been classified as a Variant of Uncertain Significance.

Ambry Genetics
Classification: Uncertain significance for Inborn genetic diseases. Last evaluated: 2025-08-27. Review status: criteria provided, single submitter. Criteria: Ambry Variant Classification Scheme 2023. Collection method: clinical testing. Allele origin: germline.

Genome Diagnostics Laboratory, The Hospital for Sick Children
Classification: Uncertain significance for Connective tissue disorder. Last evaluated: 2021-03-07. Review status: criteria provided, single submitter. Criteria: ACMG Guidelines, 2015. Collection method: clinical testing. Allele origin: germline.

Eurofins Ntd Llc (ga)
Classification: Uncertain significance. Last evaluated: 2014-04-26. Review status: criteria provided, single submitter. Criteria: EGL Classification Definitions 2015. Collection method: clinical testing. Allele origin: germline. Observed: 1 variant allele, 1 heterozygote.

NM_001199397.3(NEK1):c.2474G>T (p.Gly825Val)

Gene: NEK1 (NIMA related kinase 1; minus strand). Cytogenetic location: 4q33.
Variant type: single nucleotide variant.
Coding change: c.2474G>T on transcript NM_001199397.3 (MANE Select); coding-DNA position 2474, G replaced by T.
Protein change: p.Gly825Val; replaces glycine 825 with valine.
Molecular consequence: missense variant. On other transcripts: non-coding transcript variant (1).
Genome position (GRCh38, 1-based): chr4:169,463,356, C>A on the plus strand (G>T on the coding strand, the complement: NEK1 is on the minus strand). VCF-style: chr4-169463356-C-A. GRCh37 (hg19) VCF-style: chr4-170384507-C-A.
Other names: c.2342G>T, p.Gly781Val (NM_001199398.3); c.2183G>T, p.Gly728Val (NM_001199399.3); c.2258G>T, p.Gly753Val (NM_001199400.3); c.2474G>T, p.Gly825Val (NM_001374418.1); c.2390G>T, p.Gly797Val (NM_001374419.1, NM_012224.4); c.2339G>T, p.Gly780Val (NM_001374420.1); c.2168G>T, p.Gly723Val (NM_001374421.1); short protein forms G797V, G825V, G728V, G781V, G753V, G723V, G780V.
Identifiers: ClinVar variation 167346 (VCV000167346.12), dbSNP rs377203539, ClinGen allele CA234364.